The following is an entry in ClinVar:

ClinVar aggregate classification (germline): Benign. Review status: criteria provided, multiple submitters, no conflicts (2 of 4 stars). 2 submissions from 2 submitters: Benign (2). Last evaluated 2018-06-14.

Allele frequency attached by ClinVar (database versions not stated): gnomAD exomes 0.50904; gnomAD 0.54556 and 0.54805; TOPMed 0.55187; ESP Exome Variant Server 0.55212; 1000 Genomes Project 30x 0.59432; 1000 Genomes Project 0.59685.
gnomAD v4.1: 729,443 of 1,419,986 alleles (51%); highest among the groups gnomAD compares: East Asian, 76%; 190,684 homozygotes.

Submissions (2):

GeneDx
Classification: Benign. Last evaluated: 2018-06-14. Review status: criteria provided, single submitter. Criteria: GeneDx Variant Classification (06012015). Collection method: clinical testing. Allele origin: germline. Affected: yes.
Comment: This variant is considered likely benign or benign based on one or more of the following criteria: it is a conservative change, it occurs at a poorly conserved position in the protein, it is predicted to be benign by multiple in silico algorithms, and/or has population frequency not consistent with disease.

Breakthrough Genomics
Classification: Benign. Review status: criteria provided, single submitter. Criteria: ACMG Guidelines, 2015. Collection method: not provided. Allele origin: germline. Inheritance: Autosomal dominant inheritance. Affected: yes.

NM_000093.5(COL5A1):c.2845-70A>G

Gene: COL5A1 (collagen type V alpha 1 chain; plus strand). Cytogenetic location: 9q34.3.
Variant type: single nucleotide variant.
Coding change: c.2845-70A>G on transcript NM_000093.5 (MANE Select); 70 bases into the intron before coding-DNA position 2845, A replaced by G.
Molecular consequence: intron variant.
Genome position (GRCh38, 1-based): chr9:134,796,778, A>G. VCF-style: chr9-134796778-A-G. GRCh37 (hg19) VCF-style: chr9-137688624-A-G.
Other names: c.2845-70A>G (NM_001278074.1).
Identifiers: ClinVar variation 672277 (VCV000672277.2), dbSNP rs3811160, ClinGen allele CA12975163.